The following is an entry in ClinVar:

NC_000009.12:g.35657986T>C

Gene: RMRP (RNA component of mitochondrial RNA processing endoribonuclease; minus strand). Cytogenetic location: 9p13.3.
Variant type: single nucleotide variant.
Genome position: GRCh38 VCF-style: chr9-35657986-T-C. GRCh37 (hg19) VCF-style: chr9-35657983-T-C.
Identifiers: ClinVar variation 2149474 (VCV002149474.3), dbSNP rs780392182, ClinGen allele CA5045863.

ClinVar aggregate classification (germline): Uncertain significance (1 of 4 stars; one submission).

Conditions:
Anauxetic dysplasia. Identifiers: Orphanet 93347, MedGen C1846796, MONDO:0011773.

Allele frequency attached by ClinVar (database versions not stated): gnomAD 0.00001; gnomAD exomes 0.00002; TOPMed 0.00002; ExAC 0.00009.
gnomAD v4.1: 13 of 700,268 alleles (0.0019%); highest among the groups gnomAD compares: South Asian, 0.012%; no homozygotes.

Submission:

Labcorp Genetics (formerly Invitae), Labcorp
Classification: Uncertain significance for Anauxetic dysplasia. Last evaluated: 2024-05-04. Review status: criteria provided, single submitter. Criteria: Invitae Variant Classification Sherloc (09022015). Collection method: clinical testing. Allele origin: germline.
Comment: This variant occurs in the RMRP gene, which encodes an RNA molecule that does not result in a protein product. This variant is present in population databases (rs780392182, gnomAD 0.009%). This variant has not been reported in the literature in individuals affected with RMRP-related conditions. ClinVar contains an entry for this variant (Variation ID: 2149474). Experimental studies and prediction algorithms are not available or were not evaluated, and the functional significance of this variant is currently unknown. In summary, the available evidence is currently insufficient to determine the role of this variant in disease. Therefore, it has been classified as a Variant of Uncertain Significance.